The following is an entry in ClinVar:

ClinVar aggregate classification (germline): Uncertain significance (1 of 4 stars; one submission).

gnomAD v4.1: 1 of 1,614,208 alleles (0.000062%); highest among the groups gnomAD compares: Non-Finnish European, 0.000085%; no homozygotes.

Submission:

Labcorp Genetics (formerly Invitae), Labcorp
Classification: Uncertain significance. Last evaluated: 2025-07-21. Review status: criteria provided, single submitter. Criteria: Invitae Variant Classification Sherloc (09022015). Collection method: clinical testing. Allele origin: germline.
Comment: This sequence change replaces aspartic acid, which is acidic and polar, with alanine, which is neutral and non-polar, at codon 1748 of the FLNB protein (p.Asp1748Ala). This variant is not present in population databases (gnomAD no frequency). This variant has not been reported in the literature in individuals affected with FLNB-related conditions. ClinVar contains an entry for this variant (Variation ID: 1483391). Invitae Evidence Modeling of protein sequence and biophysical properties (such as structural, functional, and spatial information, amino acid conservation, physicochemical variation, residue mobility, and thermodynamic stability) indicates that this missense variant is not expected to disrupt FLNB protein function with a negative predictive value of 95%. In summary, the available evidence is currently insufficient to determine the role of this variant in disease. Therefore, it has been classified as a Variant of Uncertain Significance.

NM_001457.4(FLNB):c.5243A>C (p.Asp1748Ala)

Gene: FLNB (filamin B; plus strand). Cytogenetic location: 3p14.3.
Variant type: single nucleotide variant.
Coding change: c.5243A>C on transcript NM_001457.4 (MANE Select); coding-DNA position 5243, A replaced by C.
Protein change: p.Asp1748Ala; replaces aspartic acid 1748 with alanine.
Molecular consequence: missense variant.
Genome position (GRCh38, 1-based): chr3:58,142,711, A>C. VCF-style: chr3-58142711-A-C. GRCh37 (hg19) VCF-style: chr3-58128438-A-C.
Other names: c.5336A>C, p.Asp1779Ala (NM_001164317.2); c.5210A>C, p.Asp1737Ala (NM_001164318.2); c.5171A>C, p.Asp1724Ala (NM_001164319.2); short protein forms D1737A, D1724A, D1748A, D1779A.
Identifiers: ClinVar variation 1483391 (VCV001483391.8), dbSNP rs770248489, ClinGen allele CA353353580.